The following is an entry in ClinVar:

ClinVar aggregate classification (germline): Uncertain significance (1 of 4 stars; one submission).

Submission:

GeneDx
Classification: Uncertain significance. Last evaluated: 2023-12-11. Review status: criteria provided, single submitter. Criteria: GeneDx Variant Classification Process June 2021. Collection method: clinical testing. Allele origin: germline. Affected: yes.
Comment: Not observed at significant frequency in large population cohorts (gnomAD); Frameshift variant predicted to result in protein truncation or nonsense mediated decay in a gene or region of a gene for which loss of function is not a well-established mechanism of disease; Has not been previously published as pathogenic or benign to our knowledge

NM_001270.4(CHD1):c.3344_3350dup (p.Ile1118fs)

Gene: CHD1 (chromodomain helicase DNA binding protein 1; minus strand). Cytogenetic location: 5q15.
Variant type: Duplication.
Coding change: c.3344_3350dup on transcript NM_001270.4 (MANE Select); coding-DNA positions 3344 to 3350, 7 bases duplicated (CACGGAC; older notation c.3344_3350dupCACGGAC).
Protein change: p.Ile1118fs; shifts the reading frame from isoleucine 1118.
Molecular consequence: frameshift variant. On other transcripts: non-coding transcript variant (2).
Genome position (GRCh38, 1-based): chr5:98,876,446-98,876,452, GTCCGTG duplicated on the plus strand (CACGGAC on the coding strand, the reverse complement: CHD1 is on the minus strand); duplicating any 7 consecutive bases within chr5:98,876,446-98,876,455 gives the same sequence; the c. name uses the placement nearest the transcript's 3' end. VCF-style (leftmost placement, unchanged base first): chr5-98876445-A-AGTCCGTG. GRCh37 (hg19) VCF-style: chr5-98212149-A-AGTCCGTG.
Other names: c.3344_3350dup, p.Ile1118fs (NM_001364113.3, NM_001376194.2); short protein forms I1118fs.
Identifiers: ClinVar variation 3253427 (VCV003253427.1), dbSNP rs2479496017.